The following is an entry in ClinVar:

NM_001127222.2(CACNA1A):c.6526+6C>T

Gene: CACNA1A (calcium voltage-gated channel subunit alpha1 A; minus strand). Cytogenetic location: 19p13.13.
Variant type: single nucleotide variant.
Coding change: c.6526+6C>T on transcript NM_001127222.2 (MANE Select); 6 bases into the intron after coding-DNA position 6526, C replaced by T.
Molecular consequence: intron variant.
Genome position (GRCh38, 1-based): chr19:13,209,306, G>A on the plus strand (C>T on the coding strand, the complement: CACNA1A is on the minus strand). VCF-style: chr19-13209306-G-A. GRCh37 (hg19) VCF-style: chr19-13320120-G-A.
Other names: c.6529+6C>T (NM_001127221.2, NM_001127221.1); c.6535+6C>T (NM_001174080.2); c.6544+6C>T (NM_000068.4, NM_023035.3); c.6526+6C>T (NM_001127222.1).
Identifiers: ClinVar variation 1425330 (VCV001425330.9), dbSNP rs1366998583, ClinGen allele CA632122909.

ClinVar aggregate classification (germline): Uncertain significance. Review status: criteria provided, multiple submitters, no conflicts (2 of 4 stars). 3 submissions from 3 submitters: Uncertain significance (2). 1 of the submissions does not count toward it. Last evaluated 2022-06-30.

Conditions:
Inborn genetic diseases. Identifiers: MedGen C0950123, MeSH D030342.
CACNA1A-related disorder. Also called: CACNA1A-related condition.
Episodic ataxia type 2 (EA2). Also called: ATAXIA, EPISODIC, WITH NYSTAGMUS; ATAXIA, FAMILIAL PAROXYSMAL; CEREBELLAR ATAXIA, PAROXYSMAL, ACETAZOLAMIDE-RESPONSIVE; CEREBELLOPATHY, HEREDITARY PAROXYSMAL; EPISODIC ATAXIA, NYSTAGMUS-ASSOCIATED; ACETAZOLAMIDE-RESPONSIVE HEREDITARY PAROXYSMAL CEREBELLAR ATAXIA. Identifiers: Orphanet 97, MedGen C1720416, MONDO:0007163, OMIM 108500.
Developmental and epileptic encephalopathy, 42 (DEE42A). Also called: Epileptic encephalopathy, early infantile, 42; DEVELOPMENTAL AND EPILEPTIC ENCEPHALOPATHY 42A; EPILEPTIC ENCEPHALOPATHY, EARLY INFANTILE, 42A. Identifiers: MedGen C4310716, MONDO:0014917, OMIM 617106.

Allele frequency attached by ClinVar (database versions not stated): TOPMed below 0.00001; gnomAD 0.00001; gnomAD exomes 0.00006.
gnomAD v4.1: 78 of 1,421,624 alleles (0.0055%); highest among the groups gnomAD compares: Non-Finnish European, 0.007%; no homozygotes.

Submissions (3):

Labcorp Genetics (formerly Invitae), Labcorp
Classification: Uncertain significance for Developmental and epileptic encephalopathy, 42; Episodic ataxia type 2. Last evaluated: 2022-06-30. Review status: criteria provided, single submitter. Criteria: Invitae Variant Classification Sherloc (09022015). Collection method: clinical testing. Allele origin: germline.
Comment: In summary, the available evidence is currently insufficient to determine the role of this variant in disease. Therefore, it has been classified as a Variant of Uncertain Significance. Variants that disrupt the consensus splice site are a relatively common cause of aberrant splicing (PMID: 17576681, 9536098). Algorithms developed to predict the effect of sequence changes on RNA splicing suggest that this variant is not likely to affect RNA splicing. ClinVar contains an entry for this variant (Variation ID: 1425330). This variant has not been reported in the literature in individuals affected with CACNA1A-related conditions. This variant is not present in population databases (gnomAD no frequency). This sequence change falls in intron 45 of the CACNA1A gene. It does not directly change the encoded amino acid sequence of the CACNA1A protein. It affects a nucleotide within the consensus splice site.

Ambry Genetics
Classification: Uncertain significance for Inborn genetic diseases. Last evaluated: 2021-08-24. Review status: criteria provided, single submitter. Criteria: Ambry Variant Classification Scheme 2023. Collection method: clinical testing. Allele origin: germline.
Comment: The c.6529+6C>T intronic alteration consists of a C to T substitution 6 nucleotides after exon 45 of the CACNA1A gene. Based on insufficient or conflicting evidence, the clinical significance of this alteration remains unclear.

PreventionGenetics, part of Exact Sciences
Classification: Likely benign for CACNA1A-related condition. Last evaluated: 2021-09-13. Review status: no assertion criteria provided. Collection method: clinical testing. Allele origin: germline. Not counted in ClinVar's aggregate classification.
Comment: This variant is classified as likely benign based on ACMG/AMP sequence variant interpretation guidelines (Richards et al. 2015 PMID: 25741868, with internal and published modifications).

Literature cited by the submitters: PubMed 17576681 (cited by Labcorp Genetics (formerly Invitae), Labcorp); PubMed 9536098 (cited by Labcorp Genetics (formerly Invitae), Labcorp).